The following is an entry in ClinVar:

NM_006269.2(RP1):c.2968G>T (p.Gly990Ter)

Gene: RP1 (RP1 axonemal microtubule associated; plus strand). Cytogenetic location: 8q12.1.
Variant type: single nucleotide variant.
Coding change: c.2968G>T on transcript NM_006269.2 (MANE Select); coding-DNA position 2968, G replaced by T.
Protein change: p.Gly990Ter; replaces glycine 990 with a stop codon.
Molecular consequence: nonsense. On other transcripts: intron variant (1).
Genome position (GRCh38, 1-based): chr8:54,626,850, G>T. VCF-style: chr8-54626850-G-T. GRCh37 (hg19) VCF-style: chr8-55539410-G-T.
Other names: c.787+4562G>T (NM_001375654.1); short protein forms G990*.
Identifiers: ClinVar variation 2113091 (VCV002113091.4), dbSNP rs755438177, ClinGen allele CA4751618.
Genomic context (GRCh38, chr8:54,626,850, plus strand): 5'-GAAAGTAATAAGCACATAACTAAAATTGCCGGTTTGACAGGAGATAATCTATGTAAAGAG[G>T]GAGATAAGTCTTTTATTGCCAATGACACTGGTGAAGAAGATCTCCATGAGACACAGGTTG-3'

ClinVar aggregate classification (germline): Pathogenic (1 of 4 stars; one submission).

Allele frequency attached by ClinVar (database versions not stated): ExAC 0.00001.

Submission:

Labcorp Genetics (formerly Invitae), Labcorp
Classification: Pathogenic. Last evaluated: 2022-03-16. Review status: criteria provided, single submitter. Criteria: Invitae Variant Classification Sherloc (09022015). Collection method: clinical testing. Allele origin: germline.
Comment: This variant disrupts the C-terminus of the RP1 protein. Many variants that disrupt this region have been reported in individuals with either autosomal dominant or autosomal recessive retinitis pigmentosa (PMID: 11527933, 19933189, 29425069, 30027431, 33681214). Therefore, variants that disrupt this region are expected to be disease-causing. This sequence change creates a premature translational stop signal (p.Gly990*) in the RP1 gene. While this is not anticipated to result in nonsense mediated decay, it is expected to disrupt the last 1167 amino acid(s) of the RP1 protein. The frequency data for this variant in the population databases is considered unreliable, as metrics indicate poor data quality at this position in the gnomAD database. This variant has not been reported in the literature in individuals affected with RP1-related conditions. For these reasons, this variant has been classified as Pathogenic.

Literature cited by the submitters: PubMed 11527933; PubMed 19933189; PubMed 29425069; PubMed 30027431; PubMed 33681214.